The following is an entry in ClinVar:

ClinVar aggregate classification (germline): Likely benign. Review status: criteria provided, multiple submitters, no conflicts (2 of 4 stars). 2 submissions from 2 submitters: Likely benign (2). Last evaluated 2025-10-10.

Conditions:
Hereditary diffuse gastric adenocarcinoma (HDGC). Also called: DIFFUSE GASTRIC AND LOBULAR BREAST CANCER SYNDROME. Identifiers: Orphanet 26106, MedGen C1708349, MONDO:0007648, OMIM 137215.

Allele frequency attached by ClinVar (database versions not stated): TOPMed below 0.00001.

Submissions (2):

Labcorp Genetics (formerly Invitae), Labcorp
Classification: Likely benign. Last evaluated: 2025-10-10. Review status: criteria provided, single submitter. Criteria: Invitae Variant Classification Sherloc (09022015). Collection method: clinical testing. Allele origin: germline.

Myriad Genetics, Inc.
Classification: Likely benign for Hereditary diffuse gastric adenocarcinoma. Last evaluated: 2024-10-14. Review status: criteria provided, single submitter. Criteria: Myriad Autosomal Dominant, Autosomal Recessive and X-Linked Classification Criteria (2023). Collection method: clinical testing. Allele origin: unknown.
Comment: This variant is considered likely benign. This variant is intronic and is not expected to impact mRNA splicing.

NM_001903.5(CTNNA1):c.2010+8A>G

Gene: CTNNA1 (catenin alpha 1; plus strand). Cytogenetic location: 5q31.2.
Variant type: single nucleotide variant.
Coding change: c.2010+8A>G on transcript NM_001903.5 (MANE Select); 8 bases into the intron after coding-DNA position 2010, A replaced by G.
Molecular consequence: intron variant.
Genome position (GRCh38, 1-based): chr5:138,929,364, A>G. VCF-style: chr5-138929364-A-G. GRCh37 (hg19) VCF-style: chr5-138265053-A-G.
Other names: c.2010+8A>G (NM_001323982.2, NM_001323984.2, NM_001290307.3 and 2 more transcripts); c.1917+8A>G (NM_001323986.2); c.1641+8A>G (NM_001290310.3); c.1701+8A>G (NM_001290309.3); c.900+8A>G (NM_001323996.1, NM_001323993.1, NM_001324005.1 and 17 more transcripts); c.561+8A>G (NM_001324007.1, NM_001324009.1, NM_001324006.1 and 2 more transcripts); c.657+8A>G (NM_001324013.1, NM_001324012.1); c.807+8A>G (NM_001324011.1).
Identifiers: ClinVar variation 2799350 (VCV002799350.4), dbSNP rs1462826321, ClinGen allele CA804563140.